The following is an entry in ClinVar:

ClinVar aggregate classification (germline): Likely pathogenic. Review status: criteria provided, multiple submitters, no conflicts (2 of 4 stars). 2 submissions from 2 submitters: Likely pathogenic (2). Last evaluated 2021-04-07.

Conditions:
NPHP3-related disorder. Also called: NPHP3-related condition; NPHP3-related disorders. Identifiers: MedGen CN379163.

Submissions (2):

Blueprint Genetics
Classification: Likely pathogenic for NPHP3-related disorders. Last evaluated: 2021-04-07. Review status: criteria provided, single submitter. Criteria: ACMG Guidelines, 2015. Collection method: clinical testing. Allele origin: germline. Affected: yes. Observed: 1 variant allele.

GeneDx
Classification: Likely pathogenic. Last evaluated: 2017-02-07. Review status: criteria provided, single submitter. Criteria: GeneDx Variant Classification (06012015). Collection method: clinical testing. Allele origin: germline. Affected: yes.
Comment: A variant that is likely pathogenic has been identified in the NPHP3 gene. The c.447_471dup25 variant has not been published as a pathogenic variant, nor has it been reported as a benign variant to our knowledge. It is not observed in large population cohorts (Lek et al., 2016; 1000 Genomes Consortium et al., 2015; Exome Variant Server). The c.447_471dup25 variant causes a frameshift starting with codon Alanine 158, changes this amino acid to a Serine residue and creates a premature Stop codon at position 13 of the new reading frame, denoted p.Ala158SerfsX13. This variant is predicted to cause loss of normal protein function either through protein truncation or nonsense-mediated mRNA decay. Therefore, the c.447_471dup25 variant is likely pathogenic; however, the possibility that it is benign cannot be excluded.

NM_153240.5(NPHP3):c.447_471dup (p.Ala158fs)

Genes: NPHP3 (nephrocystin 3; minus strand), NPHP3-ACAD11 (NPHP3-ACAD11 readthrough (NMD candidate); minus strand). Cytogenetic location: 3q22.1.
Variant type: Duplication.
Coding change: c.447_471dup on transcript NM_153240.5 (MANE Select); coding-DNA positions 447 to 471, 25 bases duplicated (AGCGAAATACCAAGCAATGGAGAGA).
Protein change: p.Ala158fs; shifts the reading frame from alanine 158.
Molecular consequence: frameshift variant. On other transcripts: non-coding transcript variant (1).
Genome position (GRCh38, 1-based): chr3:132,719,753-132,719,777, TCTCTCCATTGCTTGGTATTTCGCT duplicated on the plus strand (AGCGAAATACCAAGCAATGGAGAGA on the coding strand, the reverse complement: NPHP3 is on the minus strand); duplicating any 25 consecutive bases within chr3:132,719,753-132,719,780 gives the same sequence; the c. name uses the placement nearest the transcript's 3' end. VCF-style (leftmost placement, unchanged base first): chr3-132719752-C-CTCTCTCCATTGCTTGGTATTTCGCT. GRCh37 (hg19) VCF-style: chr3-132438596-C-CTCTCTCCATTGCTTGGTATTTCGCT.
Other names: c.447_471dupAGCGAAATACCAAGCAATGGAGAGA (NM_153240.4); short protein forms A158fs.
Identifiers: ClinVar variation 423303 (VCV000423303.3), dbSNP rs1553775392, ClinGen allele CA16617831.
Genomic context (GRCh38, chr3:132,719,752, plus strand): 5'-GTAAGGAATTTACCTTGAATTGCCTTTTAACTTTATCTCTGTCATGTTCAAATGTTGCTG[C>CTCTCTCCATTGCTTGGTATTTCGCT]TCTCTCCATTGCTTGGTATTTCGCTTCTAAAGCACTTTCTTTTTCTCGAAGTATCTTCTG-3'